The following is an entry in ClinVar:

NM_015141.4(GPD1L):c.997G>A (p.Glu333Lys)

Gene: GPD1L (glycerol-3-phosphate dehydrogenase 1 like; plus strand). Cytogenetic location: 3p22.3.
Variant type: single nucleotide variant.
Coding change: c.997G>A on transcript NM_015141.4 (MANE Select); coding-DNA position 997, G replaced by A.
Protein change: p.Glu333Lys; replaces glutamic acid 333 with lysine.
Molecular consequence: missense variant.
Genome position (GRCh38, 1-based): chr3:32,165,851, G>A. VCF-style: chr3-32165851-G-A. GRCh37 (hg19) VCF-style: chr3-32207343-G-A.
Other names: short protein forms E333K.
Identifiers: ClinVar variation 410225 (VCV000410225.11), dbSNP rs201799095, ClinGen allele CA2296817.

ClinVar aggregate classification (germline): Uncertain significance. Review status: criteria provided, multiple submitters, no conflicts (2 of 4 stars). 3 submissions from 3 submitters: Uncertain significance (3). Last evaluated 2025-12-29.

Conditions:
Cardiovascular phenotype. Identifiers: MedGen CN230736.
Brugada syndrome 2 (BRGDA2). Identifiers: Orphanet 130, MedGen C2673193, MONDO:0012728, OMIM 611777.
Brugada syndrome. Also called: Sudden Unexplained Death Syndrome; Sudden Unexplained Nocturnal Death Syndrome (SUNDS); Sudden unexpected nocturnal death syndrome; Sudden unexplained nocturnal death syndrome. Identifiers: Orphanet 130, MedGen C1142166, MONDO:0015263.

Allele frequency attached by ClinVar (database versions not stated): gnomAD 0.00001; TOPMed 0.00001; ExAC 0.00002; gnomAD exomes 0.00003; 1000 Genomes Project 30x 0.00016; 1000 Genomes Project 0.00020.
gnomAD v4.1: 22 of 1,609,054 alleles (0.0014%); highest among the groups gnomAD compares: South Asian, 0.0066%; no homozygotes.

Submissions (3):

Labcorp Genetics (formerly Invitae), Labcorp
Classification: Uncertain significance for Brugada syndrome. Last evaluated: 2025-12-29. Review status: criteria provided, single submitter. Criteria: Invitae Variant Classification Sherloc (09022015). Collection method: clinical testing. Allele origin: germline.
Comment: This sequence change replaces glutamic acid, which is acidic and polar, with lysine, which is basic and polar, at codon 333 of the GPD1L protein (p.Glu333Lys). This variant is present in population databases (rs201799095, gnomAD 0.01%). This variant has not been reported in the literature in individuals affected with GPD1L-related conditions. ClinVar contains an entry for this variant (Variation ID: 410225). Invitae Evidence Modeling of protein sequence and biophysical properties (such as structural, functional, and spatial information, amino acid conservation, physicochemical variation, residue mobility, and thermodynamic stability) indicates that this missense variant is not expected to disrupt GPD1L protein function with a negative predictive value of 80%. In summary, the available evidence is currently insufficient to determine the role of this variant in disease. Therefore, it has been classified as a Variant of Uncertain Significance.

Ambry Genetics
Classification: Uncertain significance for Cardiovascular phenotype. Last evaluated: 2024-11-10. Review status: criteria provided, single submitter. Criteria: Ambry Variant Classification Scheme 2023. Collection method: clinical testing. Allele origin: germline.

Fulgent Genetics
Classification: Uncertain significance for Brugada syndrome 2. Last evaluated: 2021-10-18. Review status: criteria provided, single submitter. Criteria: ACMG Guidelines, 2015. Collection method: clinical testing. Allele origin: unknown.